The following is an entry in ClinVar:

ClinVar aggregate classification (germline): Uncertain significance (1 of 4 stars; one submission).

Conditions:
Disseminated atypical mycobacterial infection. Identifiers: MedGen C0694566.

Allele frequency attached by ClinVar (database versions not stated): gnomAD exomes below 0.00001; TOPMed below 0.00001; gnomAD 0.00001.
gnomAD v4.1: 1 of 1,614,068 alleles (0.000062%); highest among the groups gnomAD compares: East Asian, 0.0022%; no homozygotes.

Submission:

Labcorp Genetics (formerly Invitae), Labcorp
Classification: Uncertain significance for Disseminated atypical mycobacterial infection. Last evaluated: 2020-10-19. Review status: criteria provided, single submitter. Criteria: Invitae Variant Classification Sherloc (09022015). Collection method: clinical testing. Allele origin: germline.
Comment: In summary, the available evidence is currently insufficient to determine the role of this variant in disease. Therefore, it has been classified as a Variant of Uncertain Significance. Algorithms developed to predict the effect of missense changes on protein structure and function are either unavailable or do not agree on the potential impact of this missense change (SIFT: "Deleterious"; PolyPhen-2: "Probably Damaging"; Align-GVGD: "Class C0"). This variant has not been reported in the literature in individuals with IFNGR1-related conditions. This variant is not present in population databases (ExAC no frequency). This sequence change replaces isoleucine with threonine at codon 477 of the IFNGR1 protein (p.Ile477Thr). The isoleucine residue is highly conserved and there is a moderate physicochemical difference between isoleucine and threonine.

NM_000416.3(IFNGR1):c.1430T>C (p.Ile477Thr)

Gene: IFNGR1 (interferon gamma receptor 1; minus strand). Cytogenetic location: 6q23.3.
Variant type: single nucleotide variant.
Coding change: c.1430T>C on transcript NM_000416.3 (MANE Select); coding-DNA position 1430, T replaced by C.
Protein change: p.Ile477Thr; replaces isoleucine 477 with threonine.
Molecular consequence: missense variant.
Genome position (GRCh38, 1-based): chr6:137,198,071, A>G on the plus strand (T>C on the coding strand, the complement: IFNGR1 is on the minus strand). VCF-style: chr6-137198071-A-G. GRCh37 (hg19) VCF-style: chr6-137519208-A-G.
Other names: c.1400T>C, p.Ile467Thr (NM_001363526.1); c.1307T>C, p.Ile436Thr (NM_001363527.1); short protein forms I477T, I436T, I467T.
Identifiers: ClinVar variation 1041816 (VCV001041816.10), dbSNP rs1371344707, ClinGen allele CA365771712.